The following is an entry in ClinVar:

ClinVar aggregate classification (germline): Uncertain significance (1 of 4 stars; one submission).

Allele frequency attached by ClinVar (database versions not stated): gnomAD exomes 0.00002 and 0.00005; gnomAD 0.00004; TOPMed 0.00007; ExAC 0.00008.
gnomAD v4.1: 45 of 1,559,676 alleles (0.0029%); highest among the groups gnomAD compares: African/African-American, 0.0095%; no homozygotes.

Submission:

Labcorp Genetics (formerly Invitae), Labcorp
Classification: Uncertain significance. Last evaluated: 2022-07-19. Review status: criteria provided, single submitter. Criteria: Invitae Variant Classification Sherloc (09022015). Collection method: clinical testing. Allele origin: germline.
Comment: This sequence change replaces arginine, which is basic and polar, with tryptophan, which is neutral and slightly polar, at codon 1271 of the MYO18B protein (p.Arg1271Trp). This variant is present in population databases (rs776775445, gnomAD 0.03%). This variant has not been reported in the literature in individuals affected with MYO18B-related conditions. ClinVar contains an entry for this variant (Variation ID: 1488021). Algorithms developed to predict the effect of missense changes on protein structure and function are either unavailable or do not agree on the potential impact of this missense change (SIFT: "Not Available"; PolyPhen-2: "Benign"; Align-GVGD: "Not Available"). Algorithms developed to predict the effect of sequence changes on RNA splicing suggest that this variant may create or strengthen a splice site. In summary, the available evidence is currently insufficient to determine the role of this variant in disease. Therefore, it has been classified as a Variant of Uncertain Significance.

NM_032608.7(MYO18B):c.3811C>T (p.Arg1271Trp)

Gene: MYO18B (myosin XVIIIB; plus strand). Cytogenetic location: 22q12.1.
Variant type: single nucleotide variant.
Coding change: c.3811C>T on transcript NM_032608.7 (MANE Select); coding-DNA position 3811, C replaced by T.
Protein change: p.Arg1271Trp; replaces arginine 1271 with tryptophan.
Molecular consequence: missense variant.
Genome position (GRCh38, 1-based): chr22:25,851,505, C>T. VCF-style: chr22-25851505-C-T. GRCh37 (hg19) VCF-style: chr22-26247472-C-T.
Other names: c.3814C>T, p.Arg1272Trp (NM_001318245.2); short protein forms R1272W, R1271W.
Identifiers: ClinVar variation 1488021 (VCV001488021.3), dbSNP rs776775445, ClinGen allele CA10160658.